The following is an entry in ClinVar:

ClinVar aggregate classification (germline): Uncertain significance. Review status: criteria provided, multiple submitters, no conflicts (2 of 4 stars). 2 submissions from 2 submitters: Uncertain significance (2). Last evaluated 2022-04-12.

Submissions (2):

Labcorp Genetics (formerly Invitae), Labcorp
Classification: Uncertain significance. Last evaluated: 2022-04-12. Review status: criteria provided, single submitter. Criteria: Invitae Variant Classification Sherloc (09022015). Collection method: clinical testing. Allele origin: germline.
Comment: In summary, the available evidence is currently insufficient to determine the role of this variant in disease. Therefore, it has been classified as a Variant of Uncertain Significance. Algorithms developed to predict the effect of missense changes on protein structure and function (SIFT, PolyPhen-2, Align-GVGD) all suggest that this variant is likely to be disruptive. This variant has not been reported in the literature in individuals affected with RBP4-related conditions. This variant is not present in population databases (gnomAD no frequency). This sequence change replaces tyrosine, which is neutral and polar, with cysteine, which is neutral and slightly polar, at codon 108 of the RBP4 protein (p.Tyr108Cys).

Blueprint Genetics
Classification: Uncertain significance. Last evaluated: 2021-12-17. Review status: criteria provided, single submitter. Criteria: ACMG Guidelines, 2015. Collection method: clinical testing. Allele origin: germline.

NM_006744.4(RBP4):c.323A>G (p.Tyr108Cys)

Gene: RBP4 (retinol binding protein 4; minus strand). Cytogenetic location: 10q23.33.
Variant type: single nucleotide variant.
Coding change: c.323A>G on transcript NM_006744.4 (MANE Select); coding-DNA position 323, A replaced by G.
Protein change: p.Tyr108Cys; replaces tyrosine 108 with cysteine.
Molecular consequence: missense variant.
Genome position (GRCh38, 1-based): chr10:93,600,425, T>C on the plus strand (A>G on the coding strand, the complement: RBP4 is on the minus strand). VCF-style: chr10-93600425-T-C. GRCh37 (hg19) VCF-style: chr10-95360182-T-C.
Other names: c.323A>G, p.Tyr108Cys (NM_001323517.1); c.317A>G, p.Tyr106Cys (NM_001323518.2); short protein forms Y108C, Y106C.
Identifiers: ClinVar variation 2125119 (VCV002125119.5), dbSNP rs966917637, ClinGen allele CA211557766.
Genomic context (GRCh38, chr10:93,600,425, plus strand): 5'-AGACAGTCCCACAGAGCTGACTACTCACTTCCTTTCTGGAGAAAGGAGGCTACGCCCCAG[T>C]ACTTCATCTTGAACTTGGCAGGGTCCTCGGTGTCTGTGAAGGTGCCCACCATGTCTGCGC-3'
Protein context (NP_006735.2, residues 98-118): TEDPAKFKMK[Tyr108Cys]WGVASFLQKG